The following is an entry in ClinVar:

NM_203288.2(RP9):c.35C>T (p.Ala12Val)

Genes: RP9 (RP9 pre-mRNA splicing factor; minus strand), LOC129998225 (ATAC-STARR-seq lymphoblastoid silent region 18090; plus strand). Cytogenetic location: 7p14.3.
Variant type: single nucleotide variant.
Coding change: c.35C>T on transcript NM_203288.2 (MANE Select); coding-DNA position 35, C replaced by T.
Protein change: p.Ala12Val; replaces alanine 12 with valine.
Molecular consequence: missense variant.
Genome position (GRCh38, 1-based): chr7:33,109,338, G>A on the plus strand (C>T on the coding strand, the complement: RP9 is on the minus strand). VCF-style: chr7-33109338-G-A. GRCh37 (hg19) VCF-style: chr7-33148950-G-A.
Other names: short protein forms A12V.
Identifiers: ClinVar variation 3722265 (VCV003722265.2).

ClinVar aggregate classification (germline): Uncertain significance (1 of 4 stars; one submission).

Submission:

Labcorp Genetics (formerly Invitae), Labcorp
Classification: Uncertain significance. Last evaluated: 2024-10-05. Review status: criteria provided, single submitter. Criteria: Invitae Variant Classification Sherloc (09022015). Collection method: clinical testing. Allele origin: germline.
Comment: This sequence change replaces alanine, which is neutral and non-polar, with valine, which is neutral and non-polar, at codon 12 of the RP9 protein (p.Ala12Val). This variant is not present in population databases (gnomAD no frequency). This variant has not been reported in the literature in individuals affected with RP9-related conditions. An algorithm developed to predict the effect of missense changes on protein structure and function outputs the following: PolyPhen-2: "Benign". The valine amino acid residue is found in multiple mammalian species, which suggests that this missense change does not adversely affect protein function. In summary, the available evidence is currently insufficient to determine the role of this variant in disease. Therefore, it has been classified as a Variant of Uncertain Significance.